The following is an entry in ClinVar:

ClinVar aggregate classification (germline): Uncertain significance (1 of 4 stars; one submission).

Conditions:
Aicardi-Goutieres syndrome 7 (AGS7). Identifiers: Orphanet 51, MedGen C3888244, MONDO:0014367, OMIM 615846.
Singleton-Merten syndrome 1 (SGMRT1). Also called: Widened medullary cavities of bone, aortic calcification, abnormal dentition, and muscular weakness; Syndrome of widened medullary cavities of the metacarpals and phalanges, aortic calcification and abnormal dentition. Identifiers: Orphanet 85191, MedGen C4225427, MONDO:0024535, OMIM 182250.

Submission:

Labcorp Genetics (formerly Invitae), Labcorp
Classification: Uncertain significance for Aicardi-Goutieres syndrome 7; Singleton-Merten syndrome 1. Last evaluated: 2023-12-09. Review status: criteria provided, single submitter. Criteria: Invitae Variant Classification Sherloc (09022015). Collection method: clinical testing. Allele origin: germline.
Comment: This variant is a gross deletion of the genomic region encompassing exon(s) 9-13 of the IFIH1 gene. This variant would be expected to be in-frame, preserving the integrity of the reading frame. This variant has not been reported in the literature in individuals affected with IFIH1-related conditions. A similar copy number variant has been observed in at least one individual who was not affected with IFIH1-related conditions (Invitae). Experimental studies and prediction algorithms are not available or were not evaluated, and the functional significance of this variant is currently unknown. In summary, the available evidence is currently insufficient to determine the role of this variant in disease. Therefore, it has been classified as a Variant of Uncertain Significance.

NC_000002.11:g.(?_163128716)_(163134858_?)del

Gene: IFIH1 (interferon induced with helicase C domain 1; minus strand). Cytogenetic location: 2q24.2.
Variant type: Deletion.
Identifiers: ClinVar variation 1450146 (VCV001450146.5).